The following is an entry in ClinVar:

ClinVar aggregate classification (germline): Uncertain significance (1 of 4 stars; one submission).

Conditions:
Duchenne muscular dystrophy (DMD). Also called: MUSCULAR DYSTROPHY, PSEUDOHYPERTROPHIC PROGRESSIVE, DUCHENNE TYPE; Duchenne Muscular Dystrophy (DMD). Identifiers: Orphanet 98896, MedGen C0013264, MONDO:0010679, OMIM 310200.

Submission:

Labcorp Genetics (formerly Invitae), Labcorp
Classification: Uncertain significance for Duchenne muscular dystrophy. Last evaluated: 2023-06-25. Review status: criteria provided, single submitter. Criteria: Invitae Variant Classification Sherloc (09022015). Collection method: clinical testing. Allele origin: germline.
Comment: Advanced modeling of protein sequence and biophysical properties (such as structural, functional, and spatial information, amino acid conservation, physicochemical variation, residue mobility, and thermodynamic stability) performed at Invitae indicates that this missense variant is not expected to disrupt DMD protein function. In summary, the available evidence is currently insufficient to determine the role of this variant in disease. Therefore, it has been classified as a Variant of Uncertain Significance. This variant has not been reported in the literature in individuals affected with DMD-related conditions. This sequence change replaces glutamic acid, which is acidic and polar, with lysine, which is basic and polar, at codon 1435 of the DMD protein (p.Glu1435Lys). This variant is not present in population databases (gnomAD no frequency).

NM_004006.3(DMD):c.4303G>A (p.Glu1435Lys)

Gene: DMD (dystrophin; minus strand). Cytogenetic location: Xp21.1.
Variant type: single nucleotide variant.
Coding change: c.4303G>A on transcript NM_004006.3 (MANE Select); coding-DNA position 4303, G replaced by A.
Protein change: p.Glu1435Lys; replaces glutamic acid 1435 with lysine.
Molecular consequence: missense variant.
Genome position (GRCh38, 1-based): chrX:32,390,112, C>T on the plus strand (G>A on the coding strand, the complement: DMD is on the minus strand). VCF-style: chrX-32390112-C-T. GRCh37 (hg19) VCF-style: chrX-32408229-C-T.
Other names: c.4279G>A, p.Glu1427Lys (NM_000109.4); c.4291G>A, p.Glu1431Lys (NM_004009.3); c.3934G>A, p.Glu1312Lys (NM_004010.3); c.280G>A, p.Glu94Lys (NM_004011.4); c.271G>A, p.Glu91Lys (NM_004012.4); short protein forms E1427K, E94K, E91K, E1431K, E1435K, E1312K.
Identifiers: ClinVar variation 2861725 (VCV002861725.3), dbSNP rs2147620380, ClinGen allele CA412664010.
Genomic context (GRCh38, chrX:32,390,112, plus strand): 5'-TTTCTGAAATAACATATACCTGTGCAACATCAATCTGAGACAGGACTCTTTGGGCAGCCT[C>T]CTTCCCCTGATTATGTTTCTTCATTTCTTCTAAACTGATCTCATGACTTGTCAAATCAGA-3'
Protein context (NP_003997.2, residues 1425-1445): EEMKKHNQGK[Glu1435Lys]AAQRVLSQID